The following is an entry in ClinVar:

ClinVar aggregate classification (germline): Uncertain significance. Review status: criteria provided, multiple submitters, no conflicts (2 of 4 stars). 2 submissions from 2 submitters: Uncertain significance (2). Last evaluated 2025-01-07.

Conditions:
Inborn genetic diseases. Identifiers: MedGen C0950123, MeSH D030342.

Allele frequency attached by ClinVar (database versions not stated): gnomAD 0.00001; gnomAD exomes 0.00002; TOPMed 0.00002.
gnomAD v4.1: 30 of 1,614,086 alleles (0.0019%); highest among the groups gnomAD compares: Non-Finnish European, 0.0025%; no homozygotes.

Submissions (2):

Labcorp Genetics (formerly Invitae), Labcorp
Classification: Uncertain significance. Last evaluated: 2025-01-07. Review status: criteria provided, single submitter. Criteria: Invitae Variant Classification Sherloc (09022015). Collection method: clinical testing. Allele origin: germline.
Comment: This sequence change replaces isoleucine, which is neutral and non-polar, with threonine, which is neutral and polar, at codon 112 of the FBLN5 protein (p.Ile112Thr). This variant is not present in population databases (gnomAD no frequency). This variant has not been reported in the literature in individuals affected with FBLN5-related conditions. ClinVar contains an entry for this variant (Variation ID: 1492759). Invitae Evidence Modeling of protein sequence and biophysical properties (such as structural, functional, and spatial information, amino acid conservation, physicochemical variation, residue mobility, and thermodynamic stability) indicates that this missense variant is not expected to disrupt FBLN5 protein function with a negative predictive value of 80%. In summary, the available evidence is currently insufficient to determine the role of this variant in disease. Therefore, it has been classified as a Variant of Uncertain Significance.

Ambry Genetics
Classification: Uncertain significance for Inborn genetic diseases. Last evaluated: 2023-02-22. Review status: criteria provided, single submitter. Criteria: Ambry Variant Classification Scheme 2023. Collection method: clinical testing. Allele origin: germline.

NM_006329.4(FBLN5):c.335T>C (p.Ile112Thr)

Gene: FBLN5 (fibulin 5; minus strand). Cytogenetic location: 14q32.12.
Variant type: single nucleotide variant.
Coding change: c.335T>C on transcript NM_006329.4 (MANE Select); coding-DNA position 335, T replaced by C.
Protein change: p.Ile112Thr; replaces isoleucine 112 with threonine.
Molecular consequence: missense variant.
Genome position (GRCh38, 1-based): chr14:91,936,991, A>G on the plus strand (T>C on the coding strand, the complement: FBLN5 is on the minus strand). VCF-style: chr14-91936991-A-G. GRCh37 (hg19) VCF-style: chr14-92403335-A-G.
Other names: c.458T>C, p.Ile153Thr (NM_001384158.1); c.386T>C, p.Ile129Thr (NM_001384159.1); c.335T>C, p.Ile112Thr (NM_001384160.1); c.167T>C, p.Ile56Thr (NM_001384161.1, NM_001384162.1); c.335T>C (NM_006329.3); short protein forms I112T, I56T, I129T, I153T.
Identifiers: ClinVar variation 1492759 (VCV001492759.7), dbSNP rs1453754359, ClinGen allele CA390639706.